The following is an entry in ClinVar:

NM_001382567.1(STIM1):c.251A>G (p.Asp84Gly)

Gene: STIM1 (stromal interaction molecule 1; plus strand). Cytogenetic location: 11p15.4.
Variant type: single nucleotide variant.
Coding change: c.251A>G on transcript NM_001382567.1 (MANE Select); coding-DNA position 251, A replaced by G.
Protein change: p.Asp84Gly; replaces aspartic acid 84 with glycine.
Molecular consequence: missense variant. On other transcripts: non-coding transcript variant (3), intron variant (4).
Genome position (GRCh38, 1-based): chr11:3,967,663, A>G. VCF-style: chr11-3967663-A-G. GRCh37 (hg19) VCF-style: chr11-3988893-A-G.
Other names: c.251A>G, p.Asp84Gly (NM_001277961.3, NM_001277962.2, NM_001382568.1 and 3 more transcripts); c.29A>G, p.Asp10Gly (NM_001382566.1, NM_001382573.1, NM_001382574.1 and 5 more transcripts); c.-219-56210A>G (NM_001382580.1, NM_001382581.1); c.136-56210A>G (NM_001382569.1); c.-98-56210A>G (NM_001382571.1); short protein forms D84G, D10G.
Identifiers: ClinVar variation 41481 (VCV000041481.3), dbSNP rs397514675, ClinGen allele CA130862.
Genomic context (GRCh38, chr11:3,967,663, plus strand): 5'-GCTTCGAGGCAGTCCGTAACATCCACAAACTGATGGACGATGATGCCAATGGTGATGTGG[A>G]TGTGGAAGAAAGTGATGAGGTGAGCTCTCCCATCCTGCTATGTCTCTCTTTTCTTCCTGT-3'
Protein context (NP_001369496.1, residues 74-94): LMDDDANGDV[Asp84Gly]VEESDEFLRE

ClinVar aggregate classification (germline): Pathogenic. Review status: criteria provided, single submitter (1 of 4 stars). 2 submissions from 2 submitters: Pathogenic (1). 1 of the submissions does not count toward it. Last evaluated 2024-03-01.

Conditions:
Myopathy, tubular aggregate, 1 (TAM1). Identifiers: MedGen C4011726, MONDO:0024531, OMIM 160565.
Myopathy with tubular aggregates (TAM). Also called: Tubular Aggregate Myopathy. Identifiers: Orphanet 2593, MedGen C0410207, MONDO:0008051.

Submissions (2):

Muscle and Diseases Team, Institut de Génétique et Biologie Moléculaire et Cellulaire
Classification: Pathogenic for Myopathy with tubular aggregates. Last evaluated: 2024-03-01. Review status: criteria provided, single submitter. Criteria: ACMG Guidelines, 2015. Collection method: research. Allele origin: maternal. Affected: yes. Observed: 1 variant allele.
Comment: PS3+PM1+PM2+PP1_Moderate+PP3+PP5

OMIM
Classification: Pathogenic for MYOPATHY, TUBULAR AGGREGATE, 1. Last evaluated: 2013-02-07. Review status: no assertion criteria provided. Collection method: literature only. Allele origin: germline. Not counted in ClinVar's aggregate classification.

Literature cited by the submitters: DOI 10.1186/s13073-024-01353-0 (cited by Muscle and Diseases Team, Institut de Génétique et Biologie Moléculaire et Cellulaire); PubMed 23332920 (cited by Muscle and Diseases Team, Institut de Génétique et Biologie Moléculaire et Cellulaire and OMIM).